The following is an entry in ClinVar:

NM_001844.5(COL2A1):c.2240G>A (p.Gly747Asp)

Gene: COL2A1 (collagen type II alpha 1 chain; minus strand). Cytogenetic location: 12q13.11.
Variant type: single nucleotide variant.
Coding change: c.2240G>A on transcript NM_001844.5 (MANE Select); coding-DNA position 2240, G replaced by A.
Protein change: p.Gly747Asp; replaces glycine 747 with aspartic acid.
Molecular consequence: missense variant.
Genome position (GRCh38, 1-based): chr12:47,982,563, C>T on the plus strand (G>A on the coding strand, the complement: COL2A1 is on the minus strand). VCF-style: chr12-47982563-C-T. GRCh37 (hg19) VCF-style: chr12-48376346-C-T.
Other names: c.2033G>A, p.Gly678Asp (NM_033150.3); short protein forms G678D, G747D.
Identifiers: ClinVar variation 4533371 (VCV004533371.1).

ClinVar aggregate classification (germline): Likely pathogenic (1 of 4 stars; one submission).

Conditions:
KBG syndrome (KBGS). Also called: ANKRD11-Related KBG Syndrome. Identifiers: Orphanet 2332, MedGen C0220687, MONDO:0007846, OMIM 148050.

Submission:

Intergen Genetics and Rare Diseases Diagnosis Center
Classification: Likely pathogenic for KBG syndrome. Review status: criteria provided, single submitter. Criteria: ACMG Guidelines, 2015. Collection method: clinical testing. Allele origin: de novo. Inheritance: Autosomal dominant inheritance. Affected: yes. Observed: 1 heterozygote.
Comment: For this variant, which is consistent with the clinic (Achondroplasia, skeletal dysplasia, arthrogryposis multiplex, narrow rib cage, shortness of all extremities, micrognathia, bilateral pes equinovarus ), ACMG criteria PM1, PP2, PM5, and PP3 are given. Additionally, the variant has no population frequency.